The following is an entry in ClinVar:

NM_016023.5(OTUD6B):c.839C>T (p.Ser280Leu)

Gene: OTUD6B (OTU deubiquitinase 6B; plus strand). Cytogenetic location: 8q21.3.
Variant type: single nucleotide variant.
Coding change: c.839C>T on transcript NM_016023.5 (MANE Select); coding-DNA position 839, C replaced by T.
Protein change: p.Ser280Leu; replaces serine 280 with leucine.
Molecular consequence: missense variant.
Genome position (GRCh38, 1-based): chr8:91,084,825, C>T. VCF-style: chr8-91084825-C-T. GRCh37 (hg19) VCF-style: chr8-92097053-C-T.
Other names: p.(Ser280Leu); c.536C>T, p.Ser179Leu (NM_001286745.3); c.929C>T (NM_016023.3); short protein forms S179L, S280L.
Identifiers: ClinVar variation 1388293 (VCV001388293.9), dbSNP rs1391158579, ClinGen allele CA371663333.

ClinVar aggregate classification (germline): Conflicting classifications of pathogenicity. Review status: criteria provided, conflicting classifications (1 of 4 stars). 4 submissions from 4 submitters: Likely pathogenic (1); Uncertain significance (3). Last evaluated 2023-11-30.

Conditions:
Intellectual developmental disorder with dysmorphic facies, seizures, and distal limb anomalies (IDDFSDA). Identifiers: Orphanet 505237, MedGen C4479520, MONDO:0044319, OMIM 617452.
OTUD6B-related disorder. Also called: OTUD6B-related condition.

Allele frequency attached by ClinVar (database versions not stated): TOPMed below 0.00001; gnomAD 0.00001; gnomAD exomes 0.00001.

Submissions (4):

GeneDx
Classification: Uncertain significance. Last evaluated: 2023-11-30. Review status: criteria provided, single submitter. Criteria: GeneDx Variant Classification Process June 2021. Collection method: clinical testing. Allele origin: germline. Affected: yes.
Comment: In silico analysis supports that this missense variant has a deleterious effect on protein structure/function; Has not been previously published as pathogenic or benign to our knowledge

Center of Genomic medicine, Geneva, University Hospital of Geneva
Classification: Likely pathogenic for Intellectual developmental disorder with dysmorphic facies, seizures, and distal limb anomalies. Last evaluated: 2023-08-01. Review status: criteria provided, single submitter. Criteria: ACMG Guidelines, 2015. Collection method: clinical testing. Allele origin: maternal. Affected: yes. Observed: 2 variant alleles.
Comment: This variant is present in compound heterozygosity with another variant in the same gene. These two variants were identified in two brothers with similar phenotype (global development delay, autistic features and epilepsy/seizures)

Labcorp Genetics (formerly Invitae), Labcorp
Classification: Uncertain significance. Last evaluated: 2023-04-15. Review status: criteria provided, single submitter. Criteria: Invitae Variant Classification Sherloc (09022015). Collection method: clinical testing. Allele origin: germline.
Comment: In summary, the available evidence is currently insufficient to determine the role of this variant in disease. Therefore, it has been classified as a Variant of Uncertain Significance. An algorithm developed to predict the effect of missense changes on protein structure and function (PolyPhen-2) suggests that this variant is likely to be disruptive. ClinVar contains an entry for this variant (Variation ID: 1388293). This missense change has been observed in individual(s) with clinical features of OTUD6B-related intellectual disability with dysmorphic facies, seizures, and distal limb anomalies (Invitae). In at least one individual the data is consistent with being in trans (on the opposite chromosome) from a pathogenic variant. It has also been observed to segregate with disease in related individuals. The frequency data for this variant in the population databases is considered unreliable, as metrics indicate poor data quality at this position in the gnomAD database. This sequence change replaces serine, which is neutral and polar, with leucine, which is neutral and non-polar, at codon 310 of the OTUD6B protein (p.Ser310Leu).

PreventionGenetics, part of Exact Sciences
Classification: Uncertain significance for OTUD6B-related condition. Last evaluated: 2022-10-17. Review status: criteria provided, single submitter. Criteria: ACMG Guidelines, 2015. Collection method: clinical testing. Allele origin: germline.
Comment: The OTUD6B c.929C>T variant is predicted to result in the amino acid substitution p.Ser310Leu. To our knowledge, this variant has not been reported in the literature. This variant is reported in 0.0036% of alleles in individuals of South Asian descent in gnomAD. At this time, the clinical significance of this variant is uncertain due to the absence of conclusive functional and genetic evidence.